The following is an entry in ClinVar:

ClinVar aggregate classification (germline): Uncertain significance (1 of 4 stars; one submission).

Submission:

Labcorp Genetics (formerly Invitae), Labcorp
Classification: Uncertain significance. Last evaluated: 2024-02-23. Review status: criteria provided, single submitter. Criteria: Invitae Variant Classification Sherloc (09022015). Collection method: clinical testing. Allele origin: germline.
Comment: This sequence change replaces aspartic acid, which is acidic and polar, with glutamic acid, which is acidic and polar, at codon 3715 of the ANK3 protein (p.Asp3715Glu). This variant is not present in population databases (gnomAD no frequency). This variant has not been reported in the literature in individuals affected with ANK3-related conditions. ClinVar contains an entry for this variant (Variation ID: 2080000). An algorithm developed to predict the effect of missense changes on protein structure and function (PolyPhen-2) suggests that this variant is likely to be disruptive. In summary, the available evidence is currently insufficient to determine the role of this variant in disease. Therefore, it has been classified as a Variant of Uncertain Significance.

NM_020987.5(ANK3):c.11145C>G (p.Asp3715Glu)

Gene: ANK3 (ankyrin 3; minus strand). Cytogenetic location: 10q21.2.
Variant type: single nucleotide variant.
Coding change: c.11145C>G on transcript NM_020987.5 (MANE Select); coding-DNA position 11145, C replaced by G.
Protein change: p.Asp3715Glu; replaces aspartic acid 3715 with glutamic acid.
Molecular consequence: missense variant. On other transcripts: intron variant (4).
Genome position (GRCh38, 1-based): chr10:60,069,736, G>C on the plus strand (C>G on the coding strand, the complement: ANK3 is on the minus strand). VCF-style: chr10-60069736-G-C. GRCh37 (hg19) VCF-style: chr10-61829494-G-C.
Other names: c.4388-1727C>G (NM_001204403.2); c.4409-1727C>G (NM_001204404.2); c.4406-1727C>G (NM_001320874.2); c.1808-1727C>G (NM_001149.4); short protein forms D3715E.
Identifiers: ClinVar variation 2080000 (VCV002080000.4), dbSNP rs2492518815, ClinGen allele CA376997604.